The following is an entry in ClinVar:

ClinVar aggregate classification (germline): Uncertain significance (1 of 4 stars; one submission).

Allele frequency attached by ClinVar (database versions not stated): TOPMed 0.00003; ExAC 0.00004; gnomAD 0.00004; gnomAD exomes 0.00005 and 0.00006.
gnomAD v4.1: 97 of 1,613,800 alleles (0.006%); highest among the groups gnomAD compares: Non-Finnish European, 0.007%; no homozygotes.

Submission:

Labcorp Genetics (formerly Invitae), Labcorp
Classification: Uncertain significance. Last evaluated: 2025-12-01. Review status: criteria provided, single submitter. Criteria: Invitae Variant Classification Sherloc (09022015). Collection method: clinical testing. Allele origin: germline.
Comment: This sequence change replaces arginine, which is basic and polar, with glutamine, which is neutral and polar, at codon 726 of the NLRP1 protein (p.Arg726Gln). This variant is present in population databases (rs201736619, gnomAD 0.02%). This variant has not been reported in the literature in individuals affected with NLRP1-related conditions. ClinVar contains an entry for this variant (Variation ID: 1501699). An algorithm developed to predict the effect of missense changes on protein structure and function outputs the following: PolyPhen-2: "Benign". The glutamine amino acid residue is found in multiple mammalian species, which suggests that this missense change does not adversely affect protein function. In summary, the available evidence is currently insufficient to determine the role of this variant in disease. Therefore, it has been classified as a Variant of Uncertain Significance.

NM_033004.4(NLRP1):c.2177G>A (p.Arg726Gln)

Gene: NLRP1 (NLR family pyrin domain containing 1; minus strand). Cytogenetic location: 17p13.2.
Variant type: single nucleotide variant.
Coding change: c.2177G>A on transcript NM_033004.4 (MANE Select); coding-DNA position 2177, G replaced by A.
Protein change: p.Arg726Gln; replaces arginine 726 with glutamine.
Molecular consequence: missense variant.
Genome position (GRCh38, 1-based): chr17:5,558,519, C>T on the plus strand (G>A on the coding strand, the complement: NLRP1 is on the minus strand). VCF-style: chr17-5558519-C-T. GRCh37 (hg19) VCF-style: chr17-5461839-C-T.
Other names: c.2177G>A, p.Arg726Gln (NM_001033053.3, NM_014922.5, NM_033006.4 and 1 more transcripts); short protein forms R726Q.
Identifiers: ClinVar variation 1501699 (VCV001501699.9), dbSNP rs201736619, ClinGen allele CA8327237.